The following is an entry in ClinVar:

NM_005732.4(RAD50):c.326_327del (p.Thr109fs)

Gene: RAD50 (RAD50 double strand break repair protein; plus strand). Cytogenetic location: 5q31.1.
Variant type: Deletion.
Coding change: c.326_327del on transcript NM_005732.4 (MANE Select); coding-DNA positions 326 to 327, 2 bases deleted (CA; older notation c.326_327delCA).
Protein change: p.Thr109fs; shifts the reading frame from threonine 109.
Molecular consequence: frameshift variant.
Genome position (GRCh38, 1-based): chr5:132,575,889-132,575,890, CA deleted; deleting any 2 consecutive bases within chr5:132,575,888-132,575,890 gives the same sequence; the c. name uses the placement nearest the transcript's 3' end. VCF-style (leftmost placement, unchanged base first): chr5-132575887-GAC-G. GRCh37 (hg19) VCF-style: chr5-131911579-GAC-G.
Other names: short protein forms T109fs.
Identifiers: ClinVar variation 1729525 (VCV001729525.2), dbSNP rs2479608436, ClinGen allele CA2580072659.

ClinVar aggregate classification (germline): Pathogenic (1 of 4 stars; one submission).

Conditions:
Hereditary cancer-predisposing syndrome. Also called: Neoplastic Syndromes, Hereditary; Tumor predisposition; Hereditary Cancer Syndrome; Hereditary neoplastic syndrome. Identifiers: Orphanet 140162, MedGen C0027672, MeSH D009386, MONDO:0015356.

Submission:

Ambry Genetics
Classification: Pathogenic for Hereditary cancer-predisposing syndrome. Last evaluated: 2021-12-07. Review status: criteria provided, single submitter. Criteria: Ambry Variant Classification Scheme 2023. Collection method: clinical testing. Allele origin: germline.
Comment: The c.326_327delCA pathogenic mutation, located in coding exon 3 of the RAD50 gene, results from a deletion of two nucleotides at nucleotide positions 326 to 327, causing a translational frameshift with a predicted alternate stop codon (p.T109Rfs*3). This variant is considered to be rare based on population cohorts in the Genome Aggregation Database (gnomAD). This alteration is expected to result in loss of function by premature protein truncation or nonsense-mediated mRNA decay. As such, this alteration is interpreted as a disease-causing mutation.